The following is an entry in ClinVar:

NM_000146.4(FTL):c.-95C>A

Gene: FTL (ferritin light chain; plus strand). Cytogenetic location: 19q13.33.
Variant type: single nucleotide variant.
Coding change: c.-95C>A on transcript NM_000146.4 (MANE Select); 95 bases upstream of the start codon, C replaced by A.
Molecular consequence: 5 prime UTR variant.
Genome position (GRCh38, 1-based): chr19:48,965,413, C>A. VCF-style: chr19-48965413-C-A. GRCh37 (hg19) VCF-style: chr19-49468670-C-A.
Identifiers: ClinVar variation 2930252 (VCV002930252.3), dbSNP rs1049447139, ClinGen allele CA309375060.

ClinVar aggregate classification (germline): Uncertain significance (1 of 4 stars; one submission).

Conditions:
Neuroferritinopathy (NBIA3). Also called: NEURODEGENERATION WITH BRAIN IRON ACCUMULATION 3; BASAL GANGLIA DISEASE, ADULT-ONSET. Identifiers: Orphanet 157846, MedGen C1853578, MONDO:0011638, OMIM 606159.
Hereditary hyperferritinemia with congenital cataracts. Also called: Hereditary hyperferritinemia cataract syndrome; Bonneau-Beaumont syndrome; HYPERFERRITINEMIA WITH OR WITHOUT CATARACT. Identifiers: Orphanet 163, MedGen C1833213, MONDO:0010952, OMIM 600886.

Allele frequency attached by ClinVar (database versions not stated): TOPMed below 0.00001; gnomAD exomes 0.00001.
gnomAD v4.1: 5 of 844,662 alleles (0.00059%); highest among the groups gnomAD compares: Non-Finnish European, 0.001%; no homozygotes.

Submission:

Labcorp Genetics (formerly Invitae), Labcorp
Classification: Uncertain significance for Neuroferritinopathy; Hereditary hyperferritinemia with congenital cataracts. Last evaluated: 2026-01-12. Review status: criteria provided, single submitter. Criteria: Invitae Variant Classification Sherloc (09022015). Collection method: clinical testing. Allele origin: germline.
Comment: This variant occurs in a non-coding region of the FTL gene. It does not change the encoded amino acid sequence of the FTL protein. This variant is not present in population databases (gnomAD no frequency). This variant has not been reported in the literature in individuals affected with FTL-related conditions. ClinVar contains an entry for this variant (Variation ID: 2930252). In summary, the available evidence is currently insufficient to determine the role of this variant in disease. Therefore, it has been classified as a Variant of Uncertain Significance.